The following is an entry in ClinVar:

NM_058195.4(CDKN2A):c.66T>C (p.Val22=)

Gene: CDKN2A (cyclin dependent kinase inhibitor 2A; minus strand). Cytogenetic location: 9p21.3.
Variant type: single nucleotide variant.
Coding change: c.66T>C on transcript NM_058195.4 (MANE Plus Clinical); coding-DNA position 66, T replaced by C.
Protein change: p.Val22=; no amino-acid change (valine 22 retained).
Molecular consequence: synonymous variant. On other transcripts: intron variant (1).
Genome position (GRCh38, 1-based): chr9:21,994,266, A>G on the plus strand (T>C on the coding strand, the complement: CDKN2A is on the minus strand). VCF-style: chr9-21994266-A-G. GRCh37 (hg19) VCF-style: chr9-21994265-A-G.
Other names: c.-4+555T>C (NM_001363763.2).
Identifiers: ClinVar variation 4294149 (VCV004294149.1).

ClinVar aggregate classification (germline): Benign (1 of 4 stars; one submission).

Conditions:
Melanoma-pancreatic cancer syndrome. Identifiers: Orphanet 404560, MedGen C1838547, MONDO:0011713, OMIM 606719. Disease mechanism: loss of function.

Submission:

Myriad Genetics, Inc.
Classification: Benign for Melanoma-pancreatic cancer syndrome. Last evaluated: 2025-08-12. Review status: criteria provided, single submitter. Criteria: Myriad Autosomal Dominant, Autosomal Recessive and X-Linked Classification Criteria (2023). Collection method: clinical testing. Allele origin: unknown.
Comment: This variant is considered benign. This variant is a silent/synonymous amino acid change and it is not expected to impact splicing.